The following is an entry in ClinVar:

NM_001351169.2(NT5C2):c.1212-13_1212-9del

Gene: NT5C2 (5'-nucleotidase, cytosolic II; minus strand). Cytogenetic location: 10q24.32.
Variant type: Deletion.
Coding change: c.1212-13_1212-9del on transcript NM_001351169.2 (MANE Select); 13 bases into the intron before coding-DNA position 1212 through 9 bases into the intron before coding-DNA position 1212, 5 bases deleted (CTTTT; older notation c.1212-13_1212-9delCTTTT).
Molecular consequence: intron variant.
Genome position (GRCh38, 1-based): chr10:103,091,005-103,091,009, AAAAG deleted on the plus strand (CTTTT on the coding strand, the reverse complement: NT5C2 is on the minus strand); deleting any 5 consecutive bases within chr10:103,091,005-103,091,013 gives the same sequence; the c. name uses the placement nearest the transcript's 3' end. VCF-style (leftmost placement, unchanged base first): chr10-103091004-TAAAAG-T. GRCh37 (hg19) VCF-style: chr10-104850761-TAAAAG-T.
Other names: c.1212-13_1212-9del5 (NM_012229.4); c.1125-13_1125-9del (NM_001351174.1); c.639-13_639-9del (NM_001351191.1, NM_001351192.1, NM_001351193.1 and 16 more transcripts); c.498-13_498-9del (NM_001351194.2, NM_001351195.2, NM_001351196.2); c.1212-13_1212-9del (NM_001134373.3, NM_012229.5); c.1236-13_1236-9del (NM_001351170.2, NM_001351171.2, NM_001351172.2 and 1 more transcripts); c.1119-13_1119-9del (NM_001351175.2).
Identifiers: ClinVar variation 2049694 (VCV002049694.6), dbSNP rs761597571, ClinGen allele CA5670810.

ClinVar aggregate classification (germline): Likely benign. Review status: criteria provided, single submitter (1 of 4 stars). 2 submissions from 2 submitters: Likely benign (1). 1 of the submissions does not count toward it. Last evaluated 2025-06-15.

Conditions:
NT5C2-related disorder. Also called: NT5C2-related condition.
Hereditary spastic paraplegia 45. Also called: SPASTIC PARAPLEGIA 45; Spastic paraplegia 45, autosomal recessive. Identifiers: Orphanet 320396, MedGen C3888209, MONDO:0013165, OMIM 613162.

Submissions (2):

Labcorp Genetics (formerly Invitae), Labcorp
Classification: Likely benign for Hereditary spastic paraplegia 45. Last evaluated: 2025-06-15. Review status: criteria provided, single submitter. Criteria: Invitae Variant Classification Sherloc (09022015). Collection method: clinical testing. Allele origin: germline.

PreventionGenetics, part of Exact Sciences
Classification: Likely benign for NT5C2-related condition. Last evaluated: 2023-04-06. Review status: no assertion criteria provided. Collection method: clinical testing. Allele origin: germline. Not counted in ClinVar's aggregate classification.
Comment: This variant is classified as likely benign based on ACMG/AMP sequence variant interpretation guidelines (Richards et al. 2015 PMID: 25741868, with internal and published modifications).